The following is an entry in ClinVar:

NM_000059.4(BRCA2):c.6420T>G (p.Gly2140=)

Gene: BRCA2 (BRCA2 DNA repair associated; plus strand). Cytogenetic location: 13q13.1.
Variant type: single nucleotide variant.
Coding change: c.6420T>G on transcript NM_000059.4 (MANE Select); coding-DNA position 6420, T replaced by G.
Protein change: p.Gly2140=; no amino-acid change (glycine 2140 retained).
Molecular consequence: synonymous variant.
Genome position (GRCh38, 1-based): chr13:32,340,775, T>G. VCF-style: chr13-32340775-T-G. GRCh37 (hg19) VCF-style: chr13-32914912-T-G.
Other names: G2140G.
Identifiers: ClinVar variation 52089 (VCV000052089.3), dbSNP rs80359794, ClinGen allele CA024014.

ClinVar aggregate classification (germline): Likely benign. Review status: reviewed by expert panel (3 of 4 stars). 2 submissions from 2 submitters: Likely benign (1). 1 of the submissions does not count toward it. Last evaluated 2017-06-29.

Conditions:
Breast-ovarian cancer, familial, susceptibility to, 2 (BROVCA2). Also called: BRCA2 Hereditary Breast and Ovarian Cancer. Identifiers: Orphanet 145, MedGen C2675520, MONDO:0012933, OMIM 612555. Disease mechanism: loss of function.

Submissions (2):

Evidence-based Network for the Interpretation of Germline Mutant Alleles (ENIGMA)
Classification: Likely benign for Breast-ovarian cancer, familial, susceptibility to, 2. Last evaluated: 2017-06-29. Review status: reviewed by expert panel. Criteria: ENIGMA BRCA1/2 Classification Criteria (2017-06-29). Collection method: curation. Allele origin: germline.
Comment: Synonymous substitution variant, with low bioinformatic likelihood to result in a splicing aberration (Splicing prior probability 0.02).

Breast Cancer Information Core (BIC) (BRCA2)
Classification: Uncertain significance for Breast-ovarian cancer, familial 2. Last evaluated: 2003-01-24. Review status: no assertion criteria provided. Collection method: clinical testing. Allele origin: germline. Affected: yes. Observed: 1 variant allele. Not counted in ClinVar's aggregate classification.